The following is an entry in ClinVar:

NM_017947.4(MOCOS):c.930G>A (p.Ser310=)

Gene: MOCOS (molybdenum cofactor sulfurase; plus strand). Cytogenetic location: 18q12.2.
Variant type: single nucleotide variant.
Coding change: c.930G>A on transcript NM_017947.4 (MANE Select); coding-DNA position 930, G replaced by A.
Protein change: p.Ser310=; no amino-acid change (serine 310 retained).
Molecular consequence: synonymous variant.
Genome position (GRCh38, 1-based): chr18:36,200,313, G>A. VCF-style: chr18-36200313-G-A. GRCh37 (hg19) VCF-style: chr18-33780276-G-A.
Identifiers: ClinVar variation 722738 (VCV000722738.7), dbSNP rs780099735, ClinGen allele CA8940545.

ClinVar aggregate classification (germline): Likely benign. Review status: criteria provided, multiple submitters, no conflicts (2 of 4 stars). 4 submissions from 4 submitters: Likely benign (4). Last evaluated 2025-11-25.

Conditions:
MOCOS-related disorder. Also called: MOCOS-related condition.
Xanthinuria type II. Also called: Xanthine dehydrogenase and aldehyde oxidase combined deficiency of; XDH and AOX dual deficiency. Identifiers: Orphanet 3467, Orphanet 93602, MedGen C1863688, MONDO:0011346, OMIM 603592.

Allele frequency attached by ClinVar (database versions not stated): gnomAD 0.00002 and 0.00003; TOPMed 0.00004; gnomAD exomes 0.00007 and 0.00010; ExAC 0.00009.
gnomAD v4.1: 97 of 1,613,862 alleles (0.006%); highest among the groups gnomAD compares: Middle Eastern, 0.033%; no homozygotes.

Submissions (4):

Labcorp Genetics (formerly Invitae), Labcorp
Classification: Likely benign for Xanthinuria type II. Last evaluated: 2025-11-25. Review status: criteria provided, single submitter. Criteria: Invitae Variant Classification Sherloc (09022015). Collection method: clinical testing. Allele origin: germline.

PreventionGenetics, part of Exact Sciences
Classification: Likely benign for MOCOS-related condition. Last evaluated: 2025-11-17. Review status: criteria provided, single submitter. Criteria: ACMG Guidelines, 2015. Collection method: clinical testing. Allele origin: germline.
Comment: This variant is classified as likely benign based on ACMG/AMP sequence variant interpretation guidelines (Richards et al. 2015 PMID: 25741868, with internal and published modifications).

Blueprint Genetics
Classification: Likely benign. Last evaluated: 2022-01-07. Review status: criteria provided, single submitter. Criteria: ACMG Guidelines, 2015. Collection method: clinical testing. Allele origin: germline.

Fulgent Genetics
Classification: Likely benign for Xanthinuria type II. Last evaluated: 2021-11-20. Review status: criteria provided, single submitter. Criteria: ACMG Guidelines, 2015. Collection method: clinical testing. Allele origin: unknown.